The following is an entry in ClinVar:

ClinVar aggregate classification (germline): Uncertain significance (1 of 4 stars; one submission).

Conditions:
Hypertrophic cardiomyopathy. Also called: HYPERTROPHIC MYOCARDIOPATHY. Identifiers: Orphanet 217569, MedGen C0007194, MeSH D002312, MONDO:0005045, HP:0001639.

gnomAD v4.1: 3 of 1,613,748 alleles (0.00019%); highest among the groups gnomAD compares: South Asian, 0.0022%; no homozygotes.

Submission:

Labcorp Genetics (formerly Invitae), Labcorp
Classification: Uncertain significance for Hypertrophic cardiomyopathy. Last evaluated: 2024-06-12. Review status: criteria provided, single submitter. Criteria: Invitae Variant Classification Sherloc (09022015). Collection method: clinical testing. Allele origin: germline.
Comment: This sequence change replaces glutamic acid, which is acidic and polar, with lysine, which is basic and polar, at codon 1070 of the MYH7 protein (p.Glu1070Lys). This variant is present in population databases (rs137857131, gnomAD 0.006%). This missense change has been observed in individual(s) with hypertrophic cardiomyopathy (PMID: 27532257, 37652022). Advanced modeling of protein sequence and biophysical properties (such as structural, functional, and spatial information, amino acid conservation, physicochemical variation, residue mobility, and thermodynamic stability) performed at Invitae indicates that this missense variant is expected to disrupt MYH7 protein function with a positive predictive value of 95%. In summary, the available evidence is currently insufficient to determine the role of this variant in disease. Therefore, it has been classified as a Variant of Uncertain Significance.

Literature cited by the submitters: PubMed 27532257; PubMed 37652022.

NM_000257.4(MYH7):c.3208G>A (p.Glu1070Lys)

Gene: MYH7 (myosin heavy chain 7; minus strand). Cytogenetic location: 14q11.2.
Variant type: single nucleotide variant.
Coding change: c.3208G>A on transcript NM_000257.4 (MANE Select); coding-DNA position 3208, G replaced by A.
Protein change: p.Glu1070Lys; replaces glutamic acid 1070 with lysine.
Molecular consequence: missense variant.
Genome position (GRCh38, 1-based): chr14:23,422,217, C>T on the plus strand (G>A on the coding strand, the complement: MYH7 is on the minus strand). VCF-style: chr14-23422217-C-T. GRCh37 (hg19) VCF-style: chr14-23891426-C-T.
Other names: short protein forms E1070K.
Identifiers: ClinVar variation 3721457 (VCV003721457.2), dbSNP rs137857131.